The following is an entry in ClinVar:

NM_021625.5(TRPV4):c.880T>G (p.Cys294Gly)

Gene: TRPV4 (transient receptor potential cation channel subfamily V member 4; minus strand). Cytogenetic location: 12q24.11.
Variant type: single nucleotide variant.
Coding change: c.880T>G on transcript NM_021625.5 (MANE Select); coding-DNA position 880, T replaced by G.
Protein change: p.Cys294Gly; replaces cysteine 294 with glycine.
Molecular consequence: missense variant.
Genome position (GRCh38, 1-based): chr12:109,798,886, A>C on the plus strand (T>G on the coding strand, the complement: TRPV4 is on the minus strand). VCF-style: chr12-109798886-A-C. GRCh37 (hg19) VCF-style: chr12-110236691-A-C.
Other names: c.739T>G, p.Cys247Gly (NM_001177428.2, NM_001177433.2); c.778T>G, p.Cys260Gly (NM_001177431.2); c.880T>G, p.Cys294Gly (NM_147204.3); short protein forms C247G, C260G, C294G.
Identifiers: ClinVar variation 3622854 (VCV003622854.3).

ClinVar aggregate classification (germline): Uncertain significance. Review status: criteria provided, multiple submitters, no conflicts (2 of 4 stars). 2 submissions from 2 submitters: Uncertain significance (2). Last evaluated 2025-05-30.

Conditions:
Charcot-Marie-Tooth disease axonal type 2C (HMSN2C). Also called: CHARCOT-MARIE-TOOTH DISEASE, AXONAL, AUTOSOMAL DOMINANT, TYPE 2C; Charcot-Marie-Tooth Neuropathy Type 2C; Charcot-Marie-Tooth Disease Type 2, TRPV4-Related (CMT2C). Identifiers: Orphanet 99937, MedGen C1853710, MONDO:0011633, OMIM 606071.
Inborn genetic diseases. Identifiers: MedGen C0950123, MeSH D030342.

Submissions (2):

Ambry Genetics
Classification: Uncertain significance for Inborn genetic diseases. Last evaluated: 2025-05-30. Review status: criteria provided, single submitter. Criteria: Ambry Variant Classification Scheme 2023. Collection method: clinical testing. Allele origin: germline.
Comment: The c.880T>G (p.C294G) alteration is located in exon 6 (coding exon 5) of the TRPV4 gene. This alteration results from a T to G substitution at nucleotide position 880, causing the cysteine (C) at amino acid position 294 to be replaced by a glycine (G). This variant was not reported in population-based cohorts in the Genome Aggregation Database (gnomAD). This amino acid position is highly conserved in available vertebrate species. This alteration is predicted to be deleterious by in silico analysis. Based on insufficient or conflicting evidence, the clinical significance of this alteration remains unclear.

Labcorp Genetics (formerly Invitae), Labcorp
Classification: Uncertain significance for Charcot-Marie-Tooth disease axonal type 2C. Last evaluated: 2024-03-02. Review status: criteria provided, single submitter. Criteria: Invitae Variant Classification Sherloc (09022015). Collection method: clinical testing. Allele origin: germline.
Comment: This sequence change replaces cysteine, which is neutral and slightly polar, with glycine, which is neutral and non-polar, at codon 294 of the TRPV4 protein (p.Cys294Gly). This variant is not present in population databases (gnomAD no frequency). This variant has not been reported in the literature in individuals affected with TRPV4-related conditions. Advanced modeling of protein sequence and biophysical properties (such as structural, functional, and spatial information, amino acid conservation, physicochemical variation, residue mobility, and thermodynamic stability) has been performed at Invitae for this missense variant, however the output from this modeling did not meet the statistical confidence thresholds required to predict the impact of this variant on TRPV4 protein function. In summary, the available evidence is currently insufficient to determine the role of this variant in disease. Therefore, it has been classified as a Variant of Uncertain Significance.